The following is an entry in ClinVar:

NM_015340.4(LARS2):c.2641C>T (p.Gln881Ter)

Gene: LARS2 (leucyl-tRNA synthetase 2, mitochondrial; plus strand). Cytogenetic location: 3p21.31.
Variant type: single nucleotide variant.
Coding change: c.2641C>T on transcript NM_015340.4 (MANE Select); coding-DNA position 2641, C replaced by T.
Protein change: p.Gln881Ter; replaces glutamine 881 with a stop codon.
Molecular consequence: nonsense.
Genome position (GRCh38, 1-based): chr3:45,547,459, C>T. VCF-style: chr3-45547459-C-T. GRCh37 (hg19) VCF-style: chr3-45588951-C-T.
Other names: c.2641C>T, p.Gln881Ter (NM_001368263.1); short protein forms Q881*.
Identifiers: ClinVar variation 2002571 (VCV002002571.4), dbSNP rs765292534, ClinGen allele CA352431286.

ClinVar aggregate classification (germline): Uncertain significance (1 of 4 stars; one submission).

Allele frequency attached by ClinVar (database versions not stated): TOPMed below 0.00001; gnomAD 0.00001.
gnomAD v4.1: 1 of 1,613,670 alleles (0.000062%); highest among the groups gnomAD compares: African/African-American, 0.0013%; no homozygotes.

Submission:

Labcorp Genetics (formerly Invitae), Labcorp
Classification: Uncertain significance. Last evaluated: 2022-07-07. Review status: criteria provided, single submitter. Criteria: Invitae Variant Classification Sherloc (09022015). Collection method: clinical testing. Allele origin: germline.
Comment: This sequence change creates a premature translational stop signal (p.Gln881*) in the LARS2 gene. While this is not anticipated to result in nonsense mediated decay, it is expected to disrupt the last 23 amino acid(s) of the LARS2 protein. This variant is not present in population databases (gnomAD no frequency). This variant has not been reported in the literature in individuals affected with LARS2-related conditions. Experimental studies and prediction algorithms are not available or were not evaluated, and the functional significance of this variant is currently unknown. In summary, the available evidence is currently insufficient to determine the role of this variant in disease. Therefore, it has been classified as a Variant of Uncertain Significance.